The following is an entry in ClinVar:

NM_033419.5(PGAP3):c.402dup (p.Met135fs)

Gene: PGAP3 (post-GPI attachment to proteins phospholipase 3; minus strand). Cytogenetic location: 17q12.
Variant type: Duplication.
Coding change: c.402dup on transcript NM_033419.5 (MANE Select); coding-DNA position 402, one base duplicated (C; older notation c.402dupC).
Protein change: p.Met135fs; shifts the reading frame from methionine 135.
Molecular consequence: frameshift variant. On other transcripts: intron variant (1).
Genome position (GRCh38, 1-based): chr17:39,684,627, G duplicated on the plus strand (C on the coding strand, the reverse complement: PGAP3 is on the minus strand); the first of 5 consecutive G bases (chr17:39,684,627-39,684,631); duplicating any one gives the same sequence. VCF-style (leftmost placement, unchanged base first): chr17-39684626-T-TG. GRCh37 (hg19) VCF-style: chr17-37840879-T-TG.
Other names: c.402dupC (NM_033419.3); c.402dup, p.Met135fs (NM_001291728.2, NM_001291730.2, NM_001291732.2 and 1 more transcripts); c.279+1295dup (NM_001291726.2); short protein forms M135fs.
Identifiers: ClinVar variation 224640 (VCV000224640.7), dbSNP rs869312812, ClinGen allele CA353566.
Genomic context (GRCh38, chr17:39,684,626, plus strand): 5'-GAGACAGCAGGAGTCCTGCTAGGTTACCTACCCAGGCGAAGGCCACACAGGTGTGGTACA[T>TG]GGGGGAGGAGGCTGGCACGAAGGTGCGGTAGCGGCAGAGCATCACCAGGCTGGCCAGGCC-3'

ClinVar aggregate classification (germline): Pathogenic. Review status: criteria provided, multiple submitters, no conflicts (2 of 4 stars). 4 submissions from 4 submitters: Pathogenic (3). 1 of the submissions does not count toward it. Last evaluated 2021-03-02.

Conditions:
PGAP3-related disorder. Also called: PGAP3-related condition.
Hyperphosphatasia with impaired intellectual development syndrome 4. Also called: GLYCOSYLPHOSPHATIDYLINOSITOL BIOSYNTHESIS DEFECT 10; Hyperphosphatasia with intellectual disability syndrome 4. Identifiers: Orphanet 247262, MedGen C3810354, MONDO:0014318, OMIM 615716.

Submissions (4):

GeneDx
Classification: Pathogenic. Last evaluated: 2021-03-02. Review status: criteria provided, single submitter. Criteria: GeneDx Variant Classification Process June 2021. Collection method: clinical testing. Allele origin: germline. Affected: yes.
Comment: Frameshift variant predicted to result in protein truncation or nonsense mediated decay in a gene for which loss-of-function is a known mechanism of disease; Not observed in large population cohorts (Lek et al., 2016); This variant is associated with the following publications: (PMID: 27120253, 29531774, 28390064, 29310717)

Blueprint Genetics
Classification: Pathogenic for PGAP3-related disorders. Last evaluated: 2020-03-05. Review status: criteria provided, single submitter. Criteria: ACMG Guidelines, 2015. Collection method: clinical testing. Allele origin: germline. Affected: yes. Observed: 1 variant allele.

Broad Center for Mendelian Genomics, Broad Institute of MIT and Harvard
Classification: Pathogenic for Hyperphosphatasia with impaired intellectual development syndrome 4. Last evaluated: 2018-11-15. Review status: criteria provided, single submitter. Criteria: ACMG Guidelines, 2015. Collection method: research. Allele origin: germline. Inheritance: Autosomal recessive inheritance. Affected: yes. Clinical features observed: Abnormality of brain morphology.
Comment: The homozygous p.Met135HisfsTer28 variant in PGAP3 was identified by our study in two siblings with Hyperphosphatasia with Mental Retardation syndrome. This variant has been reported in the literature in the case of one compound heterozygous affected proband who was also found to have the 558-10C>T likely pathogenic variant (Knaus et al. 2016, PMID: 27120253). It has also been reported in 9 homozygous affected individuals across 7 consanguinous families and 2 non-consanguinous families (Abdel-Hamid et al. 2018, PMID: 28390064). This variant was absent from large population studies. This variant is predicted to cause a frameshift, which alters the protein's amino acid sequence beginning at position 135 and leads to a premature termination codon 28 amino acids downstream. This alteration is then predicted to lead to a truncated or absent protein. Loss of function of the PGAP3 gene is an established disease mechanism in Hyperphosphatasia with Mental Retardation Syndrome, and this is a loss of function variant. In summary, the variant p.Met135HisfsTer28 is pathogenic.

Institute for Medical Genetics and Human Genetics, Charité - Universitätsmedizin Berlin
Classification: Pathogenic for Hyperphosphatasia with impaired intellectual development syndrome 4. Last evaluated: 2016-03-01. Review status: no assertion criteria provided. Collection method: research. Allele origin: germline. Affected: yes. Not counted in ClinVar's aggregate classification.
Comment: Disease causing variant in homozygous or compound heterozygous state

Literature cited by the submitters: PubMed 27120253 (cited by Broad Center for Mendelian Genomics, Broad Institute of MIT and Harvard); PubMed 28390064 (cited by Broad Center for Mendelian Genomics, Broad Institute of MIT and Harvard).